The following is an entry in ClinVar:

ClinVar aggregate classification (germline): Likely benign (1 of 4 stars; one submission).

Allele frequency attached by ClinVar (database versions not stated): gnomAD exomes 0.00087; ExAC 0.00302; gnomAD 0.00324; TOPMed 0.00372; 1000 Genomes Project 30x 0.00406; 1000 Genomes Project 0.00439.
gnomAD v4.1: 1,585 of 1,362,936 alleles (0.12%); highest among the groups gnomAD compares: African/African-American, 1%; 20 homozygotes.

Submission:

CeGaT Center for Human Genetics Tuebingen
Classification: Likely benign. Last evaluated: 2023-03-01. Review status: criteria provided, single submitter. Criteria: CeGaT Center For Human Genetics Tuebingen Variant Classification Criteria Version 2. Collection method: clinical testing. Allele origin: germline. Affected: yes. Observed: 1 variant allele.
Comment: EMP1: BP4, BP7, BS2

NM_001423.3(EMP1):c.316+126T>C

Gene: EMP1 (epithelial membrane protein 1; plus strand). Cytogenetic location: 12p13.1.
Variant type: single nucleotide variant.
Coding change: c.316+126T>C on transcript NM_001423.3 (MANE Select); 126 bases into the intron after coding-DNA position 316, T replaced by C.
Molecular consequence: intron variant.
Genome position (GRCh38, 1-based): chr12:13,213,947, T>C. VCF-style: chr12-13213947-T-C. GRCh37 (hg19) VCF-style: chr12-13366881-T-C.
Identifiers: ClinVar variation 2642744 (VCV002642744.24), dbSNP rs74690704, ClinGen allele CA6460490.